The following is an entry in ClinVar:

NM_001458.5(FLNC):c.2296C>T (p.Arg766Trp)

Gene: FLNC (filamin C; plus strand). Cytogenetic location: 7q32.1.
Variant type: single nucleotide variant.
Coding change: c.2296C>T on transcript NM_001458.5 (MANE Select); coding-DNA position 2296, C replaced by T.
Protein change: p.Arg766Trp; replaces arginine 766 with tryptophan.
Molecular consequence: missense variant.
Genome position (GRCh38, 1-based): chr7:128,842,605, C>T. VCF-style: chr7-128842605-C-T. GRCh37 (hg19) VCF-style: chr7-128482659-C-T.
Other names: c.2296C>T, p.Arg766Trp (NM_001127487.2); short protein forms R766W.
Identifiers: ClinVar variation 472004 (VCV000472004.50), dbSNP rs200215340, ClinGen allele CA4474682.

ClinVar aggregate classification (germline): Conflicting classifications of pathogenicity. Review status: criteria provided, conflicting classifications (1 of 4 stars). 7 submissions from 7 submitters: Uncertain significance (5); Likely benign (2). Last evaluated 2026-01-14.

Conditions:
Cardiovascular phenotype. Identifiers: MedGen CN230736.
Hypertrophic cardiomyopathy 26. Also called: Cardiomyopathy, familial hypertrophic, 26. Identifiers: Orphanet 75249, MedGen C4310749, MONDO:0014883, OMIM 617047.
Myofibrillar myopathy 5. Also called: Filaminopathy (type); FILAMINOPATHY, AUTOSOMAL DOMINANT. Identifiers: Orphanet 171445, MedGen C1836050, MONDO:0012289, OMIM 609524.
Distal myopathy with posterior leg and anterior hand involvement. Also called: WILLIAMS DISTAL MYOPATHY. Identifiers: Orphanet 63273, MedGen C3279722, MONDO:0013550, OMIM 614065.

Allele frequency attached by ClinVar (database versions not stated): gnomAD exomes 0.00012; 1000 Genomes Project 30x 0.00016; ESP Exome Variant Server 0.00017; gnomAD 0.00019; TOPMed 0.00019; 1000 Genomes Project 0.00020; ExAC 0.00021.
gnomAD v4.1: 569 of 1,549,688 alleles (0.037%); highest among the groups gnomAD compares: Non-Finnish European, 0.046%; no homozygotes.

Submissions (7):

Labcorp Genetics (formerly Invitae), Labcorp
Classification: Likely benign for Distal myopathy with posterior leg and anterior hand involvement; Myofibrillar myopathy 5; Hypertrophic cardiomyopathy 26. Last evaluated: 2026-01-14. Review status: criteria provided, single submitter. Criteria: Invitae Variant Classification Sherloc (09022015). Collection method: clinical testing. Allele origin: germline.

GeneDx
Classification: Uncertain significance. Last evaluated: 2025-10-01. Review status: criteria provided, single submitter. Criteria: GeneDx Variant Classification Process June 2021. Collection method: clinical testing. Allele origin: germline. Affected: yes.
Comment: In silico analysis supports that this missense variant has a deleterious effect on protein structure/function; Reported in a patient with a history of sudden cardiac arrest as well as individuals with HCM or DCM in the published literature (PMID: 33652119, 38757491, 37904629); This variant is associated with the following publications: (PMID: 33652119, 38757491, 37904629)

Ambry Genetics
Classification: Uncertain significance for Cardiovascular phenotype. Last evaluated: 2024-12-24. Review status: criteria provided, single submitter. Criteria: Ambry Variant Classification Scheme 2023. Collection method: clinical testing. Allele origin: germline.
Comment: The p.R766W variant (also known as c.2296C>T), located in coding exon 15 of the FLNC gene, results from a C to T substitution at nucleotide position 2296. The arginine at codon 766 is replaced by tryptophan, an amino acid with dissimilar properties. This variant was reported in individuals in hypertrophic cardiomyopathy and dilated cardiomyopathy cohorts, but clinical details were limited (Norrish G et al. Circulation, 2019 Jul;140:184-192; Bonaventura J et al. J Am Heart Assoc, 2024 May;13:e033565; Perret C et al. Clin Genet, 2024 Feb;105:185-189). This amino acid position is not well conserved in available vertebrate species. In addition, this alteration is predicted to be tolerated by in silico analysis. Based on the available evidence, the clinical significance of this variant remains unclear.

Blueprint Genetics
Classification: Likely benign. Last evaluated: 2024-06-27. Review status: criteria provided, single submitter. Criteria: ACMG Guidelines, 2015. Collection method: clinical testing. Allele origin: germline.

Revvity Omics, Revvity
Classification: Uncertain significance. Last evaluated: 2024-04-03. Review status: criteria provided, single submitter. Criteria: ACMG Guidelines, 2015. Collection method: clinical testing. Allele origin: germline.

CeGaT Center for Human Genetics Tuebingen
Classification: Uncertain significance. Last evaluated: 2023-05-01. Review status: criteria provided, single submitter. Criteria: CeGaT Center For Human Genetics Tuebingen Variant Classification Criteria Version 2. Collection method: clinical testing. Allele origin: germline. Affected: yes. Observed: 1 variant allele.

Fulgent Genetics
Classification: Uncertain significance for Myofibrillar myopathy 5; Distal myopathy with posterior leg and anterior hand involvement; Hypertrophic cardiomyopathy 26. Last evaluated: 2021-08-23. Review status: criteria provided, single submitter. Criteria: ACMG Guidelines, 2015. Collection method: clinical testing. Allele origin: unknown.

Literature cited by the submitters: PubMed 31006259 (cited by Ambry Genetics); PubMed 37904629 (cited by Ambry Genetics); PubMed 38757491 (cited by Ambry Genetics).